The following is an entry in ClinVar:

ClinVar aggregate classification (germline): Uncertain significance (1 of 4 stars; one submission).

Submission:

Dasa
Classification: Uncertain significance. Last evaluated: 2026-04-14. Review status: criteria provided, single submitter. Criteria: DASA Assertion Criteria. Collection method: clinical testing. Allele origin: germline.
Comment: NM_006766.5(KAT6A):c.704A>G (p.Asn235Ser) is a missense variant that results in the substitution of asparagine with serine. This variant is absent from population databases. The currently available literature and clinical evidence are not sufficient to establish a definitive association between this variant and the reported condition. Therefore, this variant is classified as a variant of uncertain significance.

NM_006766.5(KAT6A):c.704A>G (p.Asn235Ser)

Gene: KAT6A (lysine acetyltransferase 6A; minus strand). Cytogenetic location: 8p11.21.
Variant type: single nucleotide variant.
Coding change: c.704A>G on transcript NM_006766.5 (MANE Select); coding-DNA position 704, A replaced by G.
Protein change: p.Asn235Ser; replaces asparagine 235 with serine.
Molecular consequence: missense variant.
Genome position (GRCh38, 1-based): chr8:41,987,460, T>C on the plus strand (A>G on the coding strand, the complement: KAT6A is on the minus strand). VCF-style: chr8-41987460-T-C. GRCh37 (hg19) VCF-style: chr8-41844978-T-C.
Other names: c.704A>G, p.Asn235Ser (NM_001305878.2); short protein forms N235S.
Identifiers: ClinVar variation 4881388 (VCV004881388.2).